The following is an entry in ClinVar:

NM_021922.3(FANCE):c.703G>A (p.Glu235Lys)

Gene: FANCE (FA complementation group E; plus strand). Cytogenetic location: 6p21.31.
Variant type: single nucleotide variant.
Coding change: c.703G>A on transcript NM_021922.3 (MANE Select); coding-DNA position 703, G replaced by A.
Protein change: p.Glu235Lys; replaces glutamic acid 235 with lysine.
Molecular consequence: missense variant.
Genome position (GRCh38, 1-based): chr6:35,456,201, G>A. VCF-style: chr6-35456201-G-A. GRCh37 (hg19) VCF-style: chr6-35423978-G-A.
Other names: c.703G>A, p.Glu235Lys (NM_001410876.1); short protein forms E235K.
Identifiers: ClinVar variation 2144980 (VCV002144980.3), dbSNP rs377429906, ClinGen allele CA3771466.

ClinVar aggregate classification (germline): Uncertain significance (1 of 4 stars; one submission).

Conditions:
Fanconi anemia complementation group E (FANCE). Also called: FANCE-Related Fanconi Anemia. Identifiers: Orphanet 84, MedGen C3160739, MONDO:0010953, OMIM 600901.

Allele frequency attached by ClinVar (database versions not stated): gnomAD 0.00001; TOPMed 0.00001; ExAC 0.00008; ESP Exome Variant Server 0.00008.

Submission:

Labcorp Genetics (formerly Invitae), Labcorp
Classification: Uncertain significance for Fanconi anemia complementation group E. Last evaluated: 2025-11-17. Review status: criteria provided, single submitter. Criteria: Invitae Variant Classification Sherloc (09022015). Collection method: clinical testing. Allele origin: germline.
Comment: This sequence change replaces glutamic acid, which is acidic and polar, with lysine, which is basic and polar, at codon 235 of the FANCE protein (p.Glu235Lys). This variant is present in population databases (rs377429906, gnomAD 0.009%). This variant has not been reported in the literature in individuals affected with FANCE-related conditions. ClinVar contains an entry for this variant (Variation ID: 2144980). Invitae Evidence Modeling of protein sequence and biophysical properties (such as structural, functional, and spatial information, amino acid conservation, physicochemical variation, residue mobility, and thermodynamic stability) indicates that this missense variant is not expected to disrupt FANCE protein function with a negative predictive value of 80%. In summary, the available evidence is currently insufficient to determine the role of this variant in disease. Therefore, it has been classified as a Variant of Uncertain Significance.